The following is an entry in ClinVar:

NM_001267550.2(TTN):c.53301_53305del (p.Pro17767_Val17768insTer)

Genes: TTN-AS1 (TTN antisense RNA 1; plus strand), TTN (titin; minus strand), LOC126806425 (BRD4-independent group 4 enhancer GRCh37_chr2:179471933-179473132; plus strand). Cytogenetic location: 2q31.2.
Variant type: Deletion.
Coding change: c.53301_53305del on transcript NM_001267550.2 (MANE Select); coding-DNA positions 53301 to 53305, 5 bases deleted (AGTTC; older notation c.53301_53305delAGTTC).
Protein change: p.Pro17767_Val17768insTer.
Molecular consequence: frameshift variant.
Genome position (GRCh38, 1-based): chr2:178,607,297-178,607,301, GAACT deleted on the plus strand (AGTTC on the coding strand, the reverse complement: TTN is on the minus strand); deleting any 5 consecutive bases within chr2:178,607,297-178,607,302 gives the same sequence; the c. name uses the placement nearest the transcript's 3' end. VCF-style (leftmost placement, unchanged base first): chr2-178607296-AGAACT-A. GRCh37 (hg19) VCF-style: chr2-179472023-AGAACT-A.
Other names: c.48378_48382del, p.Pro16126_Val16127insTer (NM_001256850.1); c.26106_26110del, p.Pro8702_Val8703insTer (NM_003319.4); c.45597_45601del, p.Pro15199_Val15200insTer (NM_133378.4); c.26481_26485del, p.Pro8827_Val8828insTer (NM_133432.3); c.26682_26686del, p.Pro8894_Val8895insTer (NM_133437.4).
Identifiers: ClinVar variation 4786359 (VCV004786359.1).

ClinVar aggregate classification (germline): Likely pathogenic (1 of 4 stars; one submission).

Conditions:
Autosomal recessive limb-girdle muscular dystrophy type 2J (LGMDR10). Also called: Limb-girdle muscular dystrophy, type 2J; MUSCULAR DYSTROPHY, LIMB-GIRDLE, AUTOSOMAL RECESSIVE 10. Identifiers: Orphanet 140922, MedGen C1837342, MONDO:0012127, OMIM 608807.
Dilated cardiomyopathy 1G (CMD1G). Identifiers: Orphanet 154, MedGen C1858763, MONDO:0011400, OMIM 604145.

Submission:

Labcorp Genetics (formerly Invitae), Labcorp
Classification: Likely pathogenic for Dilated cardiomyopathy 1G; Autosomal recessive limb-girdle muscular dystrophy type 2J. Last evaluated: 2025-10-09. Review status: criteria provided, single submitter. Criteria: Invitae Variant Classification Sherloc (09022015). Collection method: clinical testing. Allele origin: germline.
Comment: This sequence change creates a premature translational stop signal (p.Val17768*) in the TTN gene. While this is not anticipated to result in nonsense mediated decay, it is expected to create a truncated TTN protein. This variant is not present in population databases (gnomAD no frequency). This variant has not been reported in the literature in individuals affected with TTN-related conditions. This variant is located in the A band of TTN (PMID: 25589632). Truncating variants in this region are significantly overrepresented in patients affected with dilated cardiomyopathy (PMID: 25589632). Truncating variants in this region have also been reported in individuals affected with autosomal recessive centronuclear myopathy (PMID: 23975875). In summary, the currently available evidence indicates that the variant is pathogenic, but additional data are needed to prove that conclusively. Therefore, this variant has been classified as Likely Pathogenic.

Literature cited by the submitters: PubMed 25589632; PubMed 23975875.